The following is an entry in ClinVar:

NM_145261.4(DNAJC19):c.83A>G (p.His28Arg)

Gene: DNAJC19 (DnaJ heat shock protein family (Hsp40) member C19; minus strand). Cytogenetic location: 3q26.33.
Variant type: single nucleotide variant.
Coding change: c.83A>G on transcript NM_145261.4 (MANE Select); coding-DNA position 83, A replaced by G.
Protein change: p.His28Arg; replaces histidine 28 with arginine.
Molecular consequence: missense variant. On other transcripts: non-coding transcript variant (3).
Genome position (GRCh38, 1-based): chr3:180,988,069, T>C on the plus strand (A>G on the coding strand, the complement: DNAJC19 is on the minus strand). VCF-style: chr3-180988069-T-C. GRCh37 (hg19) VCF-style: chr3-180705857-T-C.
Other names: c.8A>G, p.His3Arg (NM_001190233.2); short protein forms H28R, H3R.
Identifiers: ClinVar variation 1359690 (VCV001359690.3), dbSNP rs776130966, ClinGen allele CA2717136.

ClinVar aggregate classification (germline): Uncertain significance (1 of 4 stars; one submission).

Conditions:
3-methylglutaconic aciduria type 5. Also called: MGA, TYPE V; CARDIOMYOPATHY, DILATED, WITH ATAXIA; 3 alpha methylglutaconic aciduria type V; MGA 5. Identifiers: Orphanet 66634, MedGen C1857776, MONDO:0012435, OMIM 610198.

Allele frequency attached by ClinVar (database versions not stated): gnomAD exomes 0.00001 and 0.00002; ExAC 0.00003.
gnomAD v4.1: 11 of 1,614,232 alleles (0.00068%); highest among the groups gnomAD compares: Non-Finnish European, 0.00093%; no homozygotes.

Submission:

Labcorp Genetics (formerly Invitae), Labcorp
Classification: Uncertain significance for 3-methylglutaconic aciduria type 5. Last evaluated: 2021-10-17. Review status: criteria provided, single submitter. Criteria: Invitae Variant Classification Sherloc (09022015). Collection method: clinical testing. Allele origin: germline.
Comment: This sequence change replaces histidine with arginine at codon 28 of the DNAJC19 protein (p.His28Arg). The histidine residue is weakly conserved and there is a small physicochemical difference between histidine and arginine. This variant is present in population databases (rs776130966, ExAC 0.006%). This variant has not been reported in the literature in individuals affected with DNAJC19-related conditions. Algorithms developed to predict the effect of missense changes on protein structure and function (SIFT, PolyPhen-2, Align-GVGD) all suggest that this variant is likely to be tolerated. Algorithms developed to predict the effect of sequence changes on RNA splicing suggest that this variant may create or strengthen a splice site. In summary, the available evidence is currently insufficient to determine the role of this variant in disease. Therefore, it has been classified as a Variant of Uncertain Significance.